The following is an entry in ClinVar:

ClinVar aggregate classification (germline): Pathogenic (1 of 4 stars; one submission).

Submission:

Quest Diagnostics Nichols Institute San Juan Capistrano
Classification: Pathogenic. Last evaluated: 2019-10-29. Review status: criteria provided, single submitter. Criteria: Quest Diagnostics criteria. Collection method: clinical testing. Allele origin: unknown.
Comment: The variant results in the deletion of at least one complete exon, and is therefore predicted to result in the loss of a functional protein. Found in at least one patient with expected phenotype for this gene, and not found in general population data.

Literature cited by the submitters: PubMed 24569164; PubMed 26564481; PubMed 25236687.

NM_007294.4:c.445_650del

Gene: BRCA1 (BRCA1 DNA repair associated; minus strand).
Variant type: Deletion.
Other names: c.445_650del (NM_007294.4).
Identifiers: ClinVar variation 993139 (VCV000993139.1).